The following is an entry in ClinVar:

NM_133433.4(NIPBL):c.451C>A (p.Pro151Thr)

Gene: NIPBL (NIPBL cohesin loading factor; plus strand). Cytogenetic location: 5p13.2.
Variant type: single nucleotide variant.
Coding change: c.451C>A on transcript NM_133433.4 (MANE Select); coding-DNA position 451, C replaced by A.
Protein change: p.Pro151Thr; replaces proline 151 with threonine.
Molecular consequence: missense variant.
Genome position (GRCh38, 1-based): chr5:36,961,576, C>A. VCF-style: chr5-36961576-C-A. GRCh37 (hg19) VCF-style: chr5-36961678-C-A.
Other names: c.451C>A, p.Pro151Thr (NM_015384.5); short protein forms P151T.
Identifiers: ClinVar variation 4056666 (VCV004056666.1).

ClinVar aggregate classification (germline): Uncertain significance (1 of 4 stars; one submission).

Conditions:
Cornelia de Lange syndrome 1 (CDLS1). Also called: TYPUS DEGENERATIVUS AMSTELODAMENSIS; Brachmann de Lange syndrome; NIPBL-Related Cornelia de Lange Syndrome. Identifiers: Orphanet 199, MedGen C4551851, MONDO:0007387, OMIM 122470.

Submission:

Laboratorio de Genetica e Diagnostico Molecular, Hospital Israelita Albert Einstein
Classification: Uncertain significance for Cornelia de Lange syndrome 1. Last evaluated: 2023-10-16. Review status: criteria provided, single submitter. Criteria: ACMG Guidelines, 2015. Collection method: clinical testing. Allele origin: germline. Affected: yes.
Comment: ACMG classification criteria: PM2 moderate, PP2 supporting